The following is an entry in ClinVar:

ClinVar aggregate classification (germline): Uncertain significance (1 of 4 stars; one submission).

Conditions:
Hereditary cancer-predisposing syndrome. Also called: Neoplastic Syndromes, Hereditary; Tumor predisposition; Hereditary neoplastic syndrome; Hereditary Cancer Syndrome. Identifiers: Orphanet 140162, MedGen C0027672, MeSH D009386, MONDO:0015356.

Submission:

Ambry Genetics
Classification: Uncertain significance for Hereditary cancer-predisposing syndrome. Last evaluated: 2026-07-07. Review status: criteria provided, single submitter. Criteria: Ambry Variant Classification Scheme 2023. Collection method: clinical testing. Allele origin: germline.
Comment: The p.L512V variant (also known as c.1534C>G), located in coding exon 11 of the BMPR1A gene, results from a C to G substitution at nucleotide position 1534. The leucine at codon 512 is replaced by valine, an amino acid with highly similar properties. This amino acid position is conserved. In addition, this alteration is predicted to be deleterious by in silico analysis. Based on the available evidence, the clinical significance of this variant remains unclear.

NM_004329.3(BMPR1A):c.1534C>G (p.Leu512Val)

Gene: BMPR1A (bone morphogenetic protein receptor type 1A; plus strand). Cytogenetic location: 10q23.2.
Variant type: single nucleotide variant.
Coding change: c.1534C>G on transcript NM_004329.3 (MANE Select); coding-DNA position 1534, C replaced by G.
Protein change: p.Leu512Val; replaces leucine 512 with valine.
Molecular consequence: missense variant. On other transcripts: non-coding transcript variant (3).
Genome position (GRCh38, 1-based): chr10:86,923,654, C>G. VCF-style: chr10-86923654-C-G. GRCh37 (hg19) VCF-style: chr10-88683411-C-G.
Other names: c.1534C>G, p.Leu512Val (NM_001406577.1, NM_001406578.1, NM_001406579.1 and 19 more transcripts); c.1528C>G, p.Leu510Val (NM_001406583.1); c.1450C>G, p.Leu484Val (NM_001406584.1, NM_001406585.1, NM_001406586.1 and 2 more transcripts); c.1609C>G, p.Leu537Val (NM_001406559.1); c.1582C>G, p.Leu528Val (NM_001406560.1); c.1192C>G, p.Leu398Val (NM_001406589.1); short protein forms L512V, L528V, L537V, L484V, L510V, L398V.
Identifiers: ClinVar variation 5033008 (VCV005033008.1).